The following is an entry in ClinVar:

NM_006231.4(POLE):c.3706del (p.Trp1236fs)

Gene: POLE (DNA polymerase epsilon, catalytic subunit; minus strand). Cytogenetic location: 12q24.33.
Variant type: Deletion.
Coding change: c.3706del on transcript NM_006231.4 (MANE Select); coding-DNA position 3706, one base deleted (T; older notation c.3706delT).
Protein change: p.Trp1236fs; shifts the reading frame from tryptophan 1236.
Molecular consequence: frameshift variant.
Genome position (GRCh38, 1-based): chr12:132,649,766, A deleted on the plus strand (T on the coding strand, the reverse complement: POLE is on the minus strand); the first of 3 consecutive A bases (chr12:132,649,766-132,649,768); deleting any one gives the same sequence. VCF-style (leftmost placement, unchanged base first): chr12-132649765-CA-C. GRCh37 (hg19) VCF-style: chr12-133226351-CA-C.
Other names: short protein forms W1236fs.
Identifiers: ClinVar variation 3640620 (VCV003640620.2).

ClinVar aggregate classification (germline): Pathogenic (1 of 4 stars; one submission).

Submission:

Labcorp Genetics (formerly Invitae), Labcorp
Classification: Pathogenic. Last evaluated: 2024-11-03. Review status: criteria provided, single submitter. Criteria: Invitae Variant Classification Sherloc (09022015). Collection method: clinical testing. Allele origin: germline.
Comment: This sequence change creates a premature translational stop signal (p.Trp1236Glyfs*125) in the POLE gene. It is expected to result in an absent or disrupted protein product. Loss-of-function variants in POLE are known to be pathogenic (PMID: 23230001, 25948378, 30503519). This variant is not present in population databases (gnomAD no frequency). This variant has not been reported in the literature in individuals affected with POLE-related conditions. For these reasons, this variant has been classified as Pathogenic.

Literature cited by the submitters: PubMed 23230001; PubMed 25948378; PubMed 30503519.